The following is an entry in ClinVar:

ClinVar aggregate classification (germline): Uncertain significance (1 of 4 stars; one submission).

Conditions:
Glycogen storage disease due to muscle and heart glycogen synthase deficiency. Also called: GSD 0b; MUSCLE GLYCOGEN SYNTHASE DEFICIENCY. Identifiers: Orphanet 137625, MedGen C1969054, MONDO:0012693, OMIM 611556.

Submission:

Labcorp Genetics (formerly Invitae), Labcorp
Classification: Uncertain significance for Glycogen storage disease 0, muscle. Last evaluated: 2019-12-24. Review status: criteria provided, single submitter. Criteria: Invitae Variant Classification Sherloc (09022015). Collection method: clinical testing. Allele origin: germline.
Comment: This variant results in a copy number gain of the genomic region encompassing exons 1-10 of the GYS1 gene. The 5' end of this event is unknown as it extends beyond the assayed region for this gene and therefore may encompass additional genes. The 3' boundary is likely confined to intron 10 of the GYS1 gene. As the precise location of this event is unknown, it may be in tandem or it may be located elsewhere in the genome. This variant has not been reported in the literature in individuals with GYS1-related conditions. In summary, the available evidence is currently insufficient to determine the role of this variant in disease. Therefore, it has been classified as a Variant of Uncertain Significance.

NC_000019.10:g.(?_48977914)_(48993363_?)dup

Gene: GYS1 (glycogen synthase 1; minus strand). Cytogenetic location: 19q13.33.
Variant type: Duplication.
Identifiers: ClinVar variation 832291 (VCV000832291.1).